The following is an entry in ClinVar:

NM_025099.6(CTC1):c.257C>T (p.Ser86Leu)

Gene: CTC1 (CST telomere replication complex component 1; minus strand). Cytogenetic location: 17p13.1.
Variant type: single nucleotide variant.
Coding change: c.257C>T on transcript NM_025099.6 (MANE Select); coding-DNA position 257, C replaced by T.
Protein change: p.Ser86Leu; replaces serine 86 with leucine.
Molecular consequence: missense variant. On other transcripts: non-coding transcript variant (1).
Genome position (GRCh38, 1-based): chr17:8,238,570, G>A on the plus strand (C>T on the coding strand, the complement: CTC1 is on the minus strand). VCF-style: chr17-8238570-G-A. GRCh37 (hg19) VCF-style: chr17-8141888-G-A.
Other names: c.257C>T (NM_025099.5); short protein forms S86L.
Identifiers: ClinVar variation 1345504 (VCV001345504.5), dbSNP rs778742090, ClinGen allele CA8372666.
Genomic context (GRCh38, chr17:8,238,570, plus strand): 5'-AGGGGGTTCCCATTTGGTCCAGCCTCTTGGGCCCAGGCCTGGTATGCACTACTGCTCCAC[G>A]ACAGGTGGCTGCAGCATGGGAGACGCTGGTGAGTCTTGAGGTCCTGTACTGAGACGAAGC-3'
Protein context (NP_079375.3, residues 76-96): HQRLPCCSHL[Ser86Leu]WSSSAYQAWA

ClinVar aggregate classification (germline): Uncertain significance. Review status: criteria provided, multiple submitters, no conflicts (2 of 4 stars). 2 submissions from 2 submitters: Uncertain significance (2). Last evaluated 2023-09-04.

Conditions:
Inborn genetic diseases. Identifiers: MedGen C0950123, MeSH D030342.
Dyskeratosis congenita. Identifiers: Orphanet 1775, MedGen C0265965, MONDO:0015780.

Allele frequency attached by ClinVar (database versions not stated): gnomAD exomes 0.00002 and 0.00006; ExAC 0.00003; TOPMed 0.00003; gnomAD 0.00005 and 0.00006.

Submissions (2):

Labcorp Genetics (formerly Invitae), Labcorp
Classification: Uncertain significance for Dyskeratosis congenita. Last evaluated: 2023-09-04. Review status: criteria provided, single submitter. Criteria: Invitae Variant Classification Sherloc (09022015). Collection method: clinical testing. Allele origin: germline.
Comment: ClinVar contains an entry for this variant (Variation ID: 1345504). In summary, the available evidence is currently insufficient to determine the role of this variant in disease. Therefore, it has been classified as a Variant of Uncertain Significance. Advanced modeling of protein sequence and biophysical properties (such as structural, functional, and spatial information, amino acid conservation, physicochemical variation, residue mobility, and thermodynamic stability) performed at Invitae indicates that this missense variant is expected to disrupt CTC1 protein function. This variant has not been reported in the literature in individuals affected with CTC1-related conditions. This variant is present in population databases (rs778742090, gnomAD 0.008%). This sequence change replaces serine, which is neutral and polar, with leucine, which is neutral and non-polar, at codon 86 of the CTC1 protein (p.Ser86Leu).

Ambry Genetics
Classification: Uncertain significance for Inborn genetic diseases. Last evaluated: 2021-02-09. Review status: criteria provided, single submitter. Criteria: Ambry Variant Classification Scheme 2023. Collection method: clinical testing. Allele origin: germline.
Comment: The c.257C>T (p.S86L) alteration is located in exon 3 (coding exon 3) of the CTC1 gene. This alteration results from a C to T substitution at nucleotide position 257, causing the serine (S) at amino acid position 86 to be replaced by a leucine (L). The p.S86L alteration is predicted to be tolerated by in silico analysis. Based on insufficient or conflicting evidence, the clinical significance of this alteration remains unclear.